The following is an entry in ClinVar:

ClinVar aggregate classification (germline): Uncertain significance (1 of 4 stars; one submission).

Conditions:
Cardiovascular phenotype. Identifiers: MedGen CN230736.

Submission:

Ambry Genetics
Classification: Uncertain significance for Cardiovascular phenotype. Last evaluated: 2022-03-17. Review status: criteria provided, single submitter. Criteria: Ambry Variant Classification Scheme 2023. Collection method: clinical testing. Allele origin: germline.
Comment: The p.L495F variant (also known as c.1483C>T), located in coding exon 13 of the CACNB2 gene, results from a C to T substitution at nucleotide position 1483. The leucine at codon 495 is replaced by phenylalanine, an amino acid with highly similar properties. This amino acid position is conserved. In addition, the in silico prediction for this alteration is inconclusive. Since supporting evidence is limited at this time, the clinical significance of this alteration remains unclear.

NM_201596.3(CACNB2):c.1645C>T (p.Leu549Phe)

Gene: CACNB2 (calcium voltage-gated channel auxiliary subunit beta 2; plus strand). Cytogenetic location: 10p12.31.
Variant type: single nucleotide variant.
Coding change: c.1645C>T on transcript NM_201596.3 (MANE Select); coding-DNA position 1645, C replaced by T.
Protein change: p.Leu549Phe; replaces leucine 549 with phenylalanine.
Molecular consequence: missense variant.
Genome position (GRCh38, 1-based): chr10:18,539,386, C>T. VCF-style: chr10-18539386-C-T. GRCh37 (hg19) VCF-style: chr10-18828315-C-T.
Other names: c.1480C>T, p.Leu494Phe (NM_000724.4); c.1447C>T, p.Leu483Phe (NM_001167945.2); c.1366C>T, p.Leu456Phe (NM_001330060.2); c.1387C>T, p.Leu463Phe (NM_001410882.1); c.1501C>T, p.Leu501Phe (NM_201570.3); c.1561C>T, p.Leu521Phe (NM_201571.4); c.1489C>T, p.Leu497Phe (NM_201572.4); c.1483C>T, p.Leu495Phe (NM_201590.3); and 2 more; short protein forms L483F, L494F, L495F, L549F, L456F, L521F, L463F, L497F.
Identifiers: ClinVar variation 1773621 (VCV001773621.2), dbSNP rs2494911578, ClinGen allele CA376071600.